The following is an entry in ClinVar:

ClinVar aggregate classification (germline): Uncertain significance. Review status: reviewed by expert panel (3 of 4 stars). 8 submissions from 8 submitters: Uncertain significance (1). 7 of the submissions do not count toward it. Last evaluated 2025-08-01.

Conditions:
RYR1-related disorder. Also called: RYR1-related condition; RYR1-related disorders. Identifiers: MedGen CN239331.
Malignant hyperthermia, susceptibility to, 1 (MHS1). Also called: Anesthesia related hyperthermia; Malignant hyperpyrexia; Fulminating hyperpyrexia; Pharmacogenic myopathy; RYR1-Related Malignant Hyperthermia Susceptibility; Malignant hyperthermia suceptibility 1. Identifiers: Orphanet 423, MedGen C2930980, MONDO:0007783, OMIM 145600.

Allele frequency attached by ClinVar (database versions not stated): ESP Exome Variant Server 0.00008.
gnomAD v4.1: 3 of 1,613,764 alleles (0.00019%); highest among the groups gnomAD compares: South Asian, 0.0011%; no homozygotes.

Submissions (8):

ClinGen Malignant Hyperthermia Susceptibility Variant Curation Expert Panel, ClinGen
Classification: Uncertain significance for Malignant hyperthermia, susceptibility to, 1. Last evaluated: 2025-08-01. Review status: reviewed by expert panel. Criteria: ClinGen MHS ACMG Specifications V2. Collection method: curation. Allele origin: germline. Inheritance: Autosomal dominant inheritance.
Comment: This pathogenicity assessment is relevant only for malignant hyperthermia susceptibility (MHS) inherited in an autosomal dominant pattern. Variants in RYR1 can also cause other myopathies inherited in an autosomal dominant pattern or in an autosomal recessive pattern. Some of these disorders may predispose individuals to malignant hyperthermia. RYR1 variants may also contribute to a malignant hyperthermia reaction in combination with other genetic and non-genetic factors and the clinician needs to consider such factors in making management decisions. This sequence variant predicts a substitution of threonine with methionine at codon 3711 of the RYR1 protein, p.(Thr3711Met). The maximum allele frequency for this variant among the six major gnomAD populations is AFR: 0.000062, a frequency consistent with pathogenicity for MHS. This variant has been reported in an individual who had a personal or family history of a malignant hyperthermia reaction and a positive in vitro contracture test (IVCT) or caffeine halothane contracture test (CHCT) result (if the proband was unavailable for testing, a positive diagnostic test result in a mutation-positive relative was counted), PS4_Supporting (PMID:30236257). This family presented with four informative meiosis, (PMID:30236257, The UK (Leeds) MH Unit), PP1. No functional studies were identified for this variant. This variant does not reside in a hotspot for pathogenic variants that contribute to MHS. A REVEL score of 0.637 supports neither a pathogenic nor a benign status for this variant. This variant has been classified as a Variant of Unknown Significance. Criteria implemented: PS4_Supporting, PP1.

Labcorp Genetics (formerly Invitae), Labcorp
Classification: Pathogenic for RYR1-related disorder. Last evaluated: 2025-08-29. Review status: criteria provided, single submitter. Criteria: Invitae Variant Classification Sherloc (09022015). Collection method: clinical testing. Allele origin: germline. Not counted in ClinVar's aggregate classification.
Comment: This sequence change replaces threonine, which is neutral and polar, with methionine, which is neutral and non-polar, at codon 3711 of the RYR1 protein (p.Thr3711Met). This variant is present in population databases (rs375915752, gnomAD 0.007%). This missense change has been observed in individual(s) with clinical features of autosomal dominant RYR1-related conditions and/or malignant hyperthermia (PMID: 30236257, 30916033, 32054689). ClinVar contains an entry for this variant (Variation ID: 1120229). Invitae Evidence Modeling of protein sequence and biophysical properties (such as structural, functional, and spatial information, amino acid conservation, physicochemical variation, residue mobility, and thermodynamic stability) indicates that this missense variant is not expected to disrupt RYR1 protein function with a negative predictive value of 80%. This variant disrupts the p.Thr3711 amino acid residue in RYR1. Other variant(s) that disrupt this residue have been determined to be pathogenic (PMID: 23558838). This suggests that this residue is clinically significant, and that variants that disrupt this residue are likely to be disease-causing. For these reasons, this variant has been classified as Pathogenic.

Women's Health and Genetics/Laboratory Corporation of America, LabCorp
Classification: Uncertain significance. Last evaluated: 2025-07-08. Review status: criteria provided, single submitter. Criteria: LabCorp Variant Classification Summary - May 2015. Collection method: clinical testing. Allele origin: germline. Not counted in ClinVar's aggregate classification.
Comment: Variant summary: RYR1 c.11132C>T (p.Thr3711Met) results in a non-conservative amino acid change in the encoded protein sequence. Algorithms developed to predict the effect of missense changes on protein structure and function all suggest that this variant is likely to be disruptive. The variant allele was found at a frequency of 4e-06 in 248650 control chromosomes. c.11132C>T has been reported in the literature in at least two individuals affected with Malignant Hyperthermia Susceptibility confirmed by in vitro contracture testing, however at least one of these individuals harbored other variants of unknown significance in RYR1 (e.g. Miller_2018, Chang_2019, Gardner_2020). These report(s) do not provide unequivocal conclusions about association of the variant with Malignant Hyperthermia Susceptibility or other RYR1-related disorders. To our knowledge, no experimental evidence demonstrating an impact on protein function has been reported. The following publications have been ascertained in the context of this evaluation (PMID: 30916033, 32054689, 35849058, 30236257, 38542460). ClinVar contains an entry for this variant (Variation ID: 1120229). Based on the evidence outlined above, the variant was classified as VUS-possibly pathogenic.

Color Diagnostics, LLC DBA Color Health
Classification: Uncertain significance for Malignant hyperthermia, susceptibility to, 1. Last evaluated: 2025-05-13. Review status: criteria provided, single submitter. Criteria: ACMG Guidelines, 2015. Collection method: clinical testing. Allele origin: germline. Not counted in ClinVar's aggregate classification.
Comment: This missense variant replaces threonine with methionine at codon 3711 of the RYR1 protein. Computational prediction is inconclusive regarding the impact of this variant on protein structure and function. To our knowledge, functional studies have not been reported for this variant. This variant has been reported in two families affected with malignant hyperthermia (PMID: 30236257), and one individual affected with malignant hyperthermia who also carried two additional likely benign RYR1 variants (PMID: 32054689). This variant has been identified in 1/248650 chromosomes in the general population by the Genome Aggregation Database (gnomAD). Due to insufficient evidence, this variant is classified as a Variant of Uncertain Significance for autosomal dominant malignant hyperthermia.

GeneDx
Classification: Uncertain significance. Last evaluated: 2024-12-27. Review status: criteria provided, single submitter. Criteria: GeneDx Variant Classification Process June 2021. Collection method: clinical testing. Allele origin: germline. Affected: yes. Not counted in ClinVar's aggregate classification.
Comment: Not observed at significant frequency in large population cohorts (gnomAD); In silico analysis supports that this missense variant has a deleterious effect on protein structure/function; Previously identified in an individual with a history of exertional heat illness and a positive IVCT test (PMID: 32054689); This variant is associated with the following publications: (PMID: 30236257, 32054689)

All of Us Research Program, National Institutes of Health
Classification: Uncertain significance for Malignant hyperthermia, susceptibility to, 1. Last evaluated: 2024-08-06. Review status: criteria provided, single submitter. Criteria: ACMG Guidelines, 2015. Collection method: clinical testing. Allele origin: germline. Inheritance: Autosomal dominant inheritance. Observed: 4 variant alleles, 4 heterozygotes. Not counted in ClinVar's aggregate classification.
Comment: This study involves interpretation of variants in research participants for the purpose of population health screening. Participant phenotype was not available at the time of variant classification. Additional details can be found in publication PMID: 35346344, PMCID: PMC8962531

Molecular Genetics, Royal Melbourne Hospital
Classification: Uncertain significance for Malignant hyperthermia, susceptibility to, 1. Last evaluated: 2023-10-06. Review status: criteria provided, single submitter. Criteria: ACMG Guidelines, 2015. Collection method: clinical testing. Allele origin: germline. Inheritance: Autosomal dominant inheritance. Not counted in ClinVar's aggregate classification.

PreventionGenetics, part of Exact Sciences
Classification: Uncertain significance for RYR1-related condition. Last evaluated: 2024-09-13. Review status: no assertion criteria provided. Collection method: clinical testing. Allele origin: germline. Not counted in ClinVar's aggregate classification.
Comment: The RYR1 c.11132C>T variant is predicted to result in the amino acid substitution p.Thr3711Met. This variant was reported in multiple individuals from two families with malignant hyperthermia, including at least one individual with a positive in vitro contracture test result (Gardner et al. 2020. PubMed ID: 32054689; Miller et al. 2018. PubMed ID: 30236257). This variant is reported in 0.0062% of alleles in individuals of African descent in gnomAD. This variant is classified as a variant of uncertain significance by the ClinGen Malignant Hyperthermia Susceptibility Variant Curation Expert Panel. At this time, the clinical significance of this variant is uncertain due to the absence of conclusive functional and genetic evidence.

Literature cited by the submitters: PubMed 30236257 (cited by 3 submitters); PubMed 30916033 (cited by Labcorp Genetics (formerly Invitae), Labcorp and Women's Health and Genetics/Laboratory Corporation of America, LabCorp); PubMed 32054689 (cited by 3 submitters); PubMed 23558838 (cited by Labcorp Genetics (formerly Invitae), Labcorp); PubMed 35849058 (cited by Women's Health and Genetics/Laboratory Corporation of America, LabCorp); PubMed 38542460 (cited by Women's Health and Genetics/Laboratory Corporation of America, LabCorp).

NM_000540.3(RYR1):c.11132C>T (p.Thr3711Met)

Gene: RYR1 (ryanodine receptor 1; plus strand). Cytogenetic location: 19q13.2.
Variant type: single nucleotide variant.
Coding change: c.11132C>T on transcript NM_000540.3 (MANE Select); coding-DNA position 11132, C replaced by T.
Protein change: p.Thr3711Met; replaces threonine 3711 with methionine.
Molecular consequence: missense variant.
Genome position (GRCh38, 1-based): chr19:38,529,048, C>T. VCF-style: chr19-38529048-C-T. GRCh37 (hg19) VCF-style: chr19-39019688-C-T.
Other names: c.11117C>T, p.Thr3706Met (NM_001042723.2); c.11132C>T (NM_000540.2); short protein forms T3706M, T3711M.
Identifiers: ClinVar variation 1120229 (VCV001120229.16), dbSNP rs375915752, ClinGen allele CA055885.